The following is an entry in ClinVar:

ClinVar aggregate classification (germline): Pathogenic (1 of 4 stars; one submission).

Conditions:
Polycystic kidney disease, adult type (PKD1). Also called: Polycystic Kidney, Autosomal Dominant; POLYCYSTIC KIDNEY DISEASE 1 WITH OR WITHOUT POLYCYSTIC LIVER DISEASE; POLYCYSTIC KIDNEY DISEASE, ADULT, TYPE I; Polycystic Kidney Disease 1, Autosomal Dominant; Polycystic kidney disease 1; Polycystic kidney disease 1, severe. Identifiers: MedGen C3149841, MONDO:0008263, OMIM 173900.

Submission:

Juno Genomics, Hangzhou Juno Genomics, Inc
Classification: Pathogenic for Polycystic kidney disease, adult type. Review status: criteria provided, single submitter. Criteria: ACMG Guidelines, 2015. Collection method: clinical testing. Allele origin: germline. Affected: yes.
Comment: Null variant in a gene where loss of function (LOF) is a known mechanism of disease.;Absent from controls (or at extremely low frequency if recessive) in Genome Aggregation Database, Exome Sequencing Project, 1000 Genomes Project, or Exome Aggregation Consortium.;Patient's phenotype or family history is highly specific for a disease with a single genetic etiology.

NM_001009944.3(PKD1):c.6629_6644dup (p.Leu2216fs)

Gene: PKD1 (polycystin 1, transient receptor potential channel interacting; minus strand). Cytogenetic location: 16p13.3.
Variant type: Duplication.
Coding change: c.6629_6644dup on transcript NM_001009944.3 (MANE Select); coding-DNA positions 6629 to 6644, 16 bases duplicated (ACGTGAGCCGGCCTCG).
Protein change: p.Leu2216fs; shifts the reading frame from leucine 2216.
Molecular consequence: frameshift variant.
Genome position (GRCh38, 1-based): chr16:2,108,523-2,108,538, CGAGGCCGGCTCACGT duplicated on the plus strand (ACGTGAGCCGGCCTCG on the coding strand, the reverse complement: PKD1 is on the minus strand); duplicating any 16 consecutive bases within chr16:2,108,523-2,108,539 gives the same sequence; the c. name uses the placement nearest the transcript's 3' end. VCF-style (leftmost placement, unchanged base first): chr16-2108522-C-CCGAGGCCGGCTCACGT. GRCh37 (hg19) VCF-style: chr16-2158523-C-CCGAGGCCGGCTCACGT.
Other names: c.6629_6644dup, p.Leu2216fs (NM_000296.4); short protein forms L2216fs.
Identifiers: ClinVar variation 3335830 (VCV003335830.2).